The following is an entry in ClinVar:

NM_000455.5(STK11):c.*6G>A

Gene: STK11 (serine/threonine kinase 11; plus strand). Cytogenetic location: 19p13.3.
Variant type: single nucleotide variant.
Coding change: c.*6G>A on transcript NM_000455.5 (MANE Select); 6 bases downstream of the stop codon, G replaced by A.
Molecular consequence: 3 prime UTR variant.
Genome position (GRCh38, 1-based): chr19:1,226,653, G>A. VCF-style: chr19-1226653-G-A. GRCh37 (hg19) VCF-style: chr19-1226652-G-A.
Identifiers: ClinVar variation 390387 (VCV000390387.8), dbSNP rs1057523753, ClinGen allele CA16608852.

ClinVar aggregate classification (germline): Conflicting classifications of pathogenicity. Review status: criteria provided, conflicting classifications (1 of 4 stars). 4 submissions from 4 submitters: Uncertain significance (2); Benign (1); Likely benign (1). Last evaluated 2025-09-09.

Conditions:
Hereditary cancer-predisposing syndrome. Also called: Neoplastic Syndromes, Hereditary; Hereditary neoplastic syndrome; Tumor predisposition; Hereditary Cancer Syndrome. Identifiers: Orphanet 140162, MedGen C0027672, MeSH D009386, MONDO:0015356.
Peutz-Jeghers syndrome (PJS). Also called: POLYPOSIS, HAMARTOMATOUS INTESTINAL; POLYPS-AND-SPOTS SYNDROME; Peutz-Jeghers polyposis; Periorificial lentiginosis syndrome. Identifiers: Orphanet 2869, MedGen C0031269, MeSH D010580, MONDO:0008280, OMIM 175200.

Allele frequency attached by ClinVar (database versions not stated): TOPMed below 0.00001.
gnomAD v4.1: 2 of 1,515,410 alleles (0.00013%); highest among the groups gnomAD compares: Non-Finnish European, 0.00018%; no homozygotes.

Submissions (4):

Color Diagnostics, LLC DBA Color Health
Classification: Uncertain significance for Hereditary cancer-predisposing syndrome. Last evaluated: 2025-09-09. Review status: criteria provided, single submitter. Criteria: ACMG Guidelines, 2015. Collection method: clinical testing. Allele origin: germline.
Comment: This variant is a G>A change at position *6 in the 3' untranslated region of the STK11 gene. To our knowledge, RNA studies have not been reported for this variant. This variant has not been reported in individuals affected with STK11-related disorders in the literature. This variant has not been identified in the general population by the Genome Aggregation Database (gnomAD). The available evidence is insufficient to determine the role of this variant in disease conclusively. Therefore, this variant is classified as a Variant of Uncertain Significance.

Myriad Genetics, Inc.
Classification: Benign for Peutz-Jeghers syndrome. Last evaluated: 2025-03-31. Review status: criteria provided, single submitter. Criteria: Myriad Autosomal Dominant, Autosomal Recessive and X-Linked Classification Criteria (2023). Collection method: clinical testing. Allele origin: unknown.
Comment: This variant is considered benign. This variant occurs in the non-coding 3' untranslated region of the gene, and is not expected to impact protein function.

Genome-Nilou Lab
Classification: Uncertain significance for Peutz-Jeghers syndrome. Last evaluated: 2021-07-15. Review status: criteria provided, single submitter. Criteria: ACMG Guidelines, 2015. Collection method: clinical testing. Allele origin: germline. Affected: no.

GeneDx
Classification: Likely benign. Last evaluated: 2016-10-31. Review status: criteria provided, single submitter. Criteria: GeneDx Variant Classification (06012015). Collection method: clinical testing. Allele origin: germline. Affected: yes.
Comment: This variant is considered likely benign or benign based on one or more of the following criteria: it is a conservative change, it occurs at a poorly conserved position in the protein, it is predicted to be benign by multiple in silico algorithms, and/or has population frequency not consistent with disease.